The following is an entry in ClinVar:

NM_003106.4(SOX2):c.128G>T (p.Arg43Leu)

Genes: SOX2 (SRY-box transcription factor 2; plus strand), SOX2-OT (SOX2 overlapping transcript; plus strand), LOC108281177 (SOX2 5' regulatory region; plus strand). Cytogenetic location: 3q26.33.
Variant type: single nucleotide variant.
Coding change: c.128G>T on transcript NM_003106.4 (MANE Select); coding-DNA position 128, G replaced by T.
Protein change: p.Arg43Leu; replaces arginine 43 with leucine.
Molecular consequence: missense variant.
Genome position (GRCh38, 1-based): chr3:181,712,488, G>T. VCF-style: chr3-181712488-G-T. GRCh37 (hg19) VCF-style: chr3-181430276-G-T.
Other names: short protein forms R43L.
Identifiers: ClinVar variation 4082573 (VCV004082573.1).

ClinVar aggregate classification (germline): Pathogenic (1 of 4 stars; one submission).

Submission:

GeneDx
Classification: Pathogenic. Last evaluated: 2025-03-06. Review status: criteria provided, single submitter. Criteria: GeneDx Variant Classification Process June 2021. Collection method: clinical testing. Allele origin: germline. Affected: yes.
Comment: Published functional studies demonstrate a damaging effect with failure of the protein to localize correctly to the nucleus (PMID: 36602867); Reported in an individual with hypogonadotropic hypogonadism, neurodevelopmental delay, myopia, and small palpebral fissures in published literature (PMID: 36602867); Not observed at significant frequency in large population cohorts (gnomAD); In silico analysis supports that this missense variant has a deleterious effect on protein structure/function; This variant is associated with the following publications: (PMID: 36602867)